The following is an entry in ClinVar:

NM_024079.5(ALG8):c.611A>G (p.Tyr204Cys)

Gene: ALG8 (ALG8 alpha-1,3-glucosyltransferase; minus strand). Cytogenetic location: 11q14.1.
Variant type: single nucleotide variant.
Coding change: c.611A>G on transcript NM_024079.5 (MANE Select); coding-DNA position 611, A replaced by G.
Protein change: p.Tyr204Cys; replaces tyrosine 204 with cysteine.
Molecular consequence: missense variant. On other transcripts: non-coding transcript variant (2), intron variant (1).
Genome position (GRCh38, 1-based): chr11:78,114,328, T>C on the plus strand (A>G on the coding strand, the complement: ALG8 is on the minus strand). VCF-style: chr11-78114328-T-C. GRCh37 (hg19) VCF-style: chr11-77825374-T-C.
Other names: c.611A>G, p.Tyr204Cys (NM_001425233.1, NM_001425237.1, NM_001425238.1 and 11 more transcripts); c.347A>G, p.Tyr116Cys (NM_001425234.1, NM_001425239.1); c.458A>G, p.Tyr153Cys (NM_001425235.1, NM_001425236.1, NM_001425226.1); c.95A>G, p.Tyr32Cys (NM_001425241.1); c.56A>G, p.Tyr19Cys (NM_001425242.1); c.546+4854A>G (NM_001425240.1); c.704A>G, p.Tyr235Cys (NM_001425224.1); c.410A>G, p.Tyr137Cys (NM_001425231.1); and 2 more; short protein forms Y116C, Y137C, Y153C, Y199C, Y19C, Y204C, Y205C, Y235C.
Identifiers: ClinVar variation 4531362 (VCV004531362.2).

ClinVar aggregate classification (germline): Likely pathogenic (1 of 4 stars; one submission).

Conditions:
ALG8 congenital disorder of glycosylation. Also called: CONGENITAL DISORDER OF GLYCOSYLATION, TYPE Ih; CDG Ih; ALG8-CDG. Identifiers: Orphanet 79325, MedGen C2931002, MONDO:0011969, OMIM 608104.

gnomAD v4.1: 1 of 1,614,072 alleles (0.000062%); highest among the groups gnomAD compares: South Asian, 0.0011%; no homozygotes.

Submission:

Victorian Clinical Genetics Services, Murdoch Childrens Research Institute
Classification: Likely pathogenic for ALG8 congenital disorder of glycosylation. Last evaluated: 2026-04-21. Review status: criteria provided, single submitter. Criteria: ACMG Guidelines, 2015. Collection method: clinical testing. Allele origin: germline. Affected: yes.
Comment: This variant is classified as Likely pathogenic. Evidence in support of pathogenic classification: Variant is present in gnomAD <0.01 (v4: 1 heterozygote(s), 0 homozygote(s)); Clinically accredited laboratory assay shows abnormal function of product not specific to the gene. Biochemical testing of transferrin isoforms demonstrated elevated disialotransferrin (VCGS internal data); Missense variant predicted to be damaging by in silico tool(s) or highly conserved with a major amino acid change. Additional information: Variant is predicted to result in a missense amino acid change from Tyr to Cys; This variant is homozygous; This gene is associated with both recessive and dominant disease, where the same variants have been reported to cause both conditions (PMID: 28375157, 26066342); Alternative amino acid change(s) at the same position are present in gnomAD (highest allele count: v4: 6 heterozygote(s), 0 homozygote(s)); This variant has no previous evidence of pathogenicity; No published evidence of segregation with disease has been identified for this variant; No comparable missense variants have previous evidence for pathogenicity; Variant is located in the annotated ALG6, ALG8 glycosyltransferase family (DECIPHER); Loss of function is a known mechanism of disease in this gene and is associated with congenital disorder of glycosylation, type Ih (MIM#608104) and polycystic liver disease 3 with or without kidney cysts (MIM#617874); Variants in this gene are known to have variable expressivity (OMIM).

Literature cited by the submitters: PubMed 26066342; PubMed 28375157.